The following is an entry in ClinVar:

ClinVar aggregate classification (germline): Uncertain significance (1 of 4 stars; one submission).

Allele frequency attached by ClinVar (database versions not stated): gnomAD exomes below 0.00001; TOPMed below 0.00001.
gnomAD v4.1: 1 of 1,611,422 alleles (0.000062%); highest among the groups gnomAD compares: Admixed American, 0.0017%; no homozygotes.

Submission:

Labcorp Genetics (formerly Invitae), Labcorp
Classification: Uncertain significance. Last evaluated: 2024-09-02. Review status: criteria provided, single submitter. Criteria: Invitae Variant Classification Sherloc (09022015). Collection method: clinical testing. Allele origin: germline.
Comment: This sequence change replaces valine, which is neutral and non-polar, with methionine, which is neutral and non-polar, at codon 2398 of the HMCN1 protein (p.Val2398Met). This variant is not present in population databases (gnomAD no frequency). This variant has not been reported in the literature in individuals affected with HMCN1-related conditions. ClinVar contains an entry for this variant (Variation ID: 2419299). An algorithm developed to predict the effect of missense changes on protein structure and function (PolyPhen-2) suggests that this variant is likely to be disruptive. In summary, the available evidence is currently insufficient to determine the role of this variant in disease. Therefore, it has been classified as a Variant of Uncertain Significance.

NM_031935.3(HMCN1):c.7192G>A (p.Val2398Met)

Gene: HMCN1 (hemicentin 1; plus strand). Cytogenetic location: 1q31.1.
Variant type: single nucleotide variant.
Coding change: c.7192G>A on transcript NM_031935.3 (MANE Select); coding-DNA position 7192, G replaced by A.
Protein change: p.Val2398Met; replaces valine 2398 with methionine.
Molecular consequence: missense variant.
Genome position (GRCh38, 1-based): chr1:186,057,281, G>A. VCF-style: chr1-186057281-G-A. GRCh37 (hg19) VCF-style: chr1-186026413-G-A.
Other names: short protein forms V2398M.
Identifiers: ClinVar variation 2419299 (VCV002419299.6), dbSNP rs1657396601, ClinGen allele CA343903506.